The following is an entry in ClinVar:

ClinVar aggregate classification (germline): Pathogenic/Likely pathogenic. Review status: criteria provided, multiple submitters, no conflicts (2 of 4 stars). 4 submissions from 4 submitters: Pathogenic (1); Likely pathogenic (3). Last evaluated 2025-02-07.

Conditions:
Premature ovarian failure 3 (POF3). Identifiers: MedGen C1837008, MONDO:0012169, OMIM 608996.
Blepharophimosis, ptosis, and epicanthus inversus syndrome. Identifiers: Orphanet 126, MedGen C0220663, MONDO:0007201, OMIM 110100.
FOXL2-related disorder. Also called: FOXL2-related condition.

Submissions (4):

PreventionGenetics, part of Exact Sciences
Classification: Likely pathogenic for FOXL2-related condition. Last evaluated: 2025-02-07. Review status: criteria provided, single submitter. Criteria: ACMG Guidelines, 2015. Collection method: clinical testing. Allele origin: germline.
Comment: The FOXL2 c.193A>G variant is predicted to result in the amino acid substitution p.Met65Val. This variant has been reported in the heterozygous state in an individual with blepharophimosis-ptosis-epicanthus inversus syndrome (BPES) (Beysen et al. 2008. PubMed ID: 18642388) and as de novo in another individual with BPES (Bunyan et al. 2019. PubMed ID: 31077882). This variant is absent in a large population database (gnomAD), indicating this variant is rare. Given the evidence, we interpret this variant as likely pathogenic.

Labcorp Genetics (formerly Invitae), Labcorp
Classification: Pathogenic. Last evaluated: 2023-04-13. Review status: criteria provided, single submitter. Criteria: Invitae Variant Classification Sherloc (09022015). Collection method: clinical testing. Allele origin: germline.
Comment: This missense change has been observed in individual(s) with blepharophimosis, ptosis, and epicanthus inversus syndrome (PMID: 18642388, 31077882). In at least one individual the variant was observed to be de novo. This variant is not present in population databases (gnomAD no frequency). This sequence change replaces methionine, which is neutral and non-polar, with valine, which is neutral and non-polar, at codon 65 of the FOXL2 protein (p.Met65Val). ClinVar contains an entry for this variant (Variation ID: 634958). For these reasons, this variant has been classified as Pathogenic. This variant disrupts the p.Met65 amino acid residue in FOXL2. Other variant(s) that disrupt this residue have been determined to be pathogenic (Invitae). This suggests that this residue is clinically significant, and that variants that disrupt this residue are likely to be disease-causing. An algorithm developed to predict the effect of missense changes on protein structure and function (PolyPhen-2) suggests that this variant is likely to be disruptive.

Wessex Regional Genetics Laboratory, Salisbury District Hospital
Classification: Likely pathogenic for Blepharophimosis, ptosis, and epicanthus inversus syndrome. Last evaluated: 2011-01-01. Review status: criteria provided, single submitter. Criteria: ACMG Guidelines, 2015. Collection method: clinical testing. Allele origin: de novo, unknown. Inheritance: Autosomal dominant inheritance. Affected: yes. Observed: 2 variant alleles.

Juno Genomics, Hangzhou Juno Genomics, Inc
Classification: Likely pathogenic for Blepharophimosis, ptosis, and epicanthus inversus syndrome; Premature ovarian failure 3. Review status: criteria provided, single submitter. Criteria: ACMG Guidelines, 2015. Collection method: clinical testing. Allele origin: germline. Affected: yes.
Comment: Absent from controls (or at extremely low frequency if recessive) in Genome Aggregation Database.;Multiple lines of computational evidence support a deleterious effect on the gene or gene product.;The prevalence of the variant in affected individuals is significantly increased compared to the prevalence in controls.;Assumed de novo, but without confirmation of paternity and maternity.;Patient's phenotype or family history is highly specific for a disease with a single genetic etiology.;Novel missense change at an amino acid residue where a different missense change determined to be pathogenic has been seen before.

Literature cited by the submitters: PubMed 18642388 (cited by Labcorp Genetics (formerly Invitae), Labcorp); PubMed 31077882 (cited by Labcorp Genetics (formerly Invitae), Labcorp).

NM_023067.4(FOXL2):c.193A>G (p.Met65Val)

Gene: FOXL2 (forkhead box L2; minus strand). Cytogenetic location: 3q22.3.
Variant type: single nucleotide variant.
Coding change: c.193A>G on transcript NM_023067.4 (MANE Select); coding-DNA position 193, A replaced by G.
Protein change: p.Met65Val; replaces methionine 65 with valine.
Molecular consequence: missense variant.
Genome position (GRCh38, 1-based): chr3:138,946,530, T>C on the plus strand (A>G on the coding strand, the complement: FOXL2 is on the minus strand). VCF-style: chr3-138946530-T-C. GRCh37 (hg19) VCF-style: chr3-138665372-T-C.
Other names: short protein forms M65V.
Identifiers: ClinVar variation 634958 (VCV000634958.6), dbSNP rs1559922621, ClinGen allele CA354707436.